The following is an entry in ClinVar:

NM_005033.3(EXOSC9):c.269T>C (p.Phe90Ser)

Gene: EXOSC9 (exosome component 9; plus strand). Cytogenetic location: 4q27.
Variant type: single nucleotide variant.
Coding change: c.269T>C on transcript NM_005033.3 (MANE Select); coding-DNA position 269, T replaced by C.
Protein change: p.Phe90Ser; replaces phenylalanine 90 with serine.
Molecular consequence: missense variant.
Genome position (GRCh38, 1-based): chr4:121,802,781, T>C. VCF-style: chr4-121802781-T-C. GRCh37 (hg19) VCF-style: chr4-122723936-T-C.
Other names: c.269T>C, p.Phe90Ser (NM_001034194.2); short protein forms F90S.
Identifiers: ClinVar variation 2881785 (VCV002881785.3), dbSNP rs2476760841, ClinGen allele CA358042052.

ClinVar aggregate classification (germline): Uncertain significance (1 of 4 stars; one submission).

Allele frequency attached by ClinVar (database versions not stated): gnomAD exomes below 0.00001.

Submission:

Labcorp Genetics (formerly Invitae), Labcorp
Classification: Uncertain significance. Last evaluated: 2022-12-30. Review status: criteria provided, single submitter. Criteria: Invitae Variant Classification Sherloc (09022015). Collection method: clinical testing. Allele origin: germline.
Comment: This variant has not been reported in the literature in individuals affected with EXOSC9-related conditions. This variant is not present in population databases (gnomAD no frequency). This sequence change replaces phenylalanine, which is neutral and non-polar, with serine, which is neutral and polar, at codon 90 of the EXOSC9 protein (p.Phe90Ser). Advanced modeling of protein sequence and biophysical properties (such as structural, functional, and spatial information, amino acid conservation, physicochemical variation, residue mobility, and thermodynamic stability) performed at Invitae indicates that this missense variant is expected to disrupt EXOSC9 protein function. In summary, the available evidence is currently insufficient to determine the role of this variant in disease. Therefore, it has been classified as a Variant of Uncertain Significance.